The following is an entry in ClinVar:

ClinVar aggregate classification (germline): Likely pathogenic (1 of 4 stars; one submission).

Conditions:
Aspartylglucosaminuria (AGU). Also called: AGA DEFICIENCY; GLYCOASPARAGINASE; GLYCOSYLASPARAGINASE DEFICIENCY; Aspartylglucos-aminuria; Aspartylglucos-amidase (AGA) deficiency. Identifiers: Orphanet 93, MedGen C0268225, MONDO:0008830, OMIM 208400, HP:0012068.

Submission:

Natera, Inc.
Classification: Likely pathogenic for Aspartylglucosaminuria. Last evaluated: 2024-07-22. Review status: criteria provided, single submitter. Criteria: Natera Variant Classification Schema (03/2026). Collection method: clinical testing. Allele origin: germline.
Comment: The c.699-1G>C variant in AGA is a canonical splice acceptor site variant predicted to affect pre-mRNA splicing, which may result in an abnormal transcript and altered protein product. This variant is expected to result in nonsense mediated decay, truncation, or a dysfunctional protein product. This variant is rare in the general population with a frequency below the threshold expected for the associated phenotype(s). Given the available evidence, this variant is classified as Likely Pathogenic.

NM_000027.4(AGA):c.699-1G>C

Gene: AGA (aspartylglucosaminidase; minus strand). Cytogenetic location: 4q34.3.
Variant type: single nucleotide variant.
Coding change: c.699-1G>C on transcript NM_000027.4 (MANE Select); the canonical splice acceptor site of the intron before coding-DNA position 699, G replaced by C.
Molecular consequence: splice acceptor variant. On other transcripts: intron variant (1).
Genome position (GRCh38, 1-based): chr4:177,434,490, C>G on the plus strand (G>C on the coding strand, the complement: AGA is on the minus strand). VCF-style: chr4-177434490-C-G. GRCh37 (hg19) VCF-style: chr4-178355644-C-G.
Other names: c.677-9G>C (NM_001171988.2).
Identifiers: ClinVar variation 4817932 (VCV004817932.1).